The following is an entry in ClinVar:

ClinVar aggregate classification (germline): Uncertain significance (1 of 4 stars; one submission).

gnomAD v4.1: 1 of 1,519,114 alleles (0.000066%); highest among the groups gnomAD compares: South Asian, 0.0014%; no homozygotes.

Submission:

Labcorp Genetics (formerly Invitae), Labcorp
Classification: Uncertain significance. Last evaluated: 2022-09-27. Review status: criteria provided, single submitter. Criteria: Invitae Variant Classification Sherloc (09022015). Collection method: clinical testing. Allele origin: germline.
Comment: ClinVar contains an entry for this variant (Variation ID: 1488602). This variant has not been reported in the literature in individuals affected with ADGRV1-related conditions. This variant is not present in population databases (gnomAD no frequency). This sequence change replaces methionine, which is neutral and non-polar, with threonine, which is neutral and polar, at codon 5653 of the ADGRV1 protein (p.Met5653Thr). Advanced modeling of protein sequence and biophysical properties (such as structural, functional, and spatial information, amino acid conservation, physicochemical variation, residue mobility, and thermodynamic stability) performed at Invitae indicates that this missense variant is not expected to disrupt ADGRV1 protein function. In summary, the available evidence is currently insufficient to determine the role of this variant in disease. Therefore, it has been classified as a Variant of Uncertain Significance.

NM_032119.4(ADGRV1):c.16958T>C (p.Met5653Thr)

Gene: ADGRV1 (adhesion G protein-coupled receptor V1; plus strand). Cytogenetic location: 5q14.3.
Variant type: single nucleotide variant.
Coding change: c.16958T>C on transcript NM_032119.4 (MANE Select); coding-DNA position 16958, T replaced by C.
Protein change: p.Met5653Thr; replaces methionine 5653 with threonine.
Molecular consequence: missense variant. On other transcripts: non-coding transcript variant (1).
Genome position (GRCh38, 1-based): chr5:90,840,924, T>C. VCF-style: chr5-90840924-T-C. GRCh37 (hg19) VCF-style: chr5-90136741-T-C.
Other names: short protein forms M5653T.
Identifiers: ClinVar variation 1488602 (VCV001488602.8), dbSNP rs2150360227, ClinGen allele CA360428880.
Genomic context (GRCh38, chr5:90,840,924, plus strand): 5'-ATCAGCTACATCAGCCTGTGAATGATGATATTCTCAACAGAGTGCTCCATACCATCAGCA[T>C]GAAAGTGGCCACAGAAAACACAGATGAACAACTCAGTGCCATGATGCATTTAATAGAAAA-3'
Protein context (NP_115495.3, residues 5643-5663): ILNRVLHTIS[Met5653Thr]KVATENTDEQ